The following is an entry in ClinVar:

ClinVar aggregate classification (germline): Uncertain significance (1 of 4 stars; one submission).

Allele frequency attached by ClinVar (database versions not stated): gnomAD exomes below 0.00001; ExAC 0.00001; gnomAD 0.00001; TOPMed 0.00001.
gnomAD v4.1: 2 of 1,614,046 alleles (0.00012%); highest among the groups gnomAD compares: African/African-American, 0.0013%; no homozygotes.

Submission:

Labcorp Genetics (formerly Invitae), Labcorp
Classification: Uncertain significance. Last evaluated: 2024-12-16. Review status: criteria provided, single submitter. Criteria: Invitae Variant Classification Sherloc (09022015). Collection method: clinical testing. Allele origin: germline.
Comment: This sequence change replaces glycine, which is neutral and non-polar, with alanine, which is neutral and non-polar, at codon 297 of the ATP5A1 protein (p.Gly297Ala). This variant is present in population databases (rs762688648, gnomAD 0.0009%). This variant has not been reported in the literature in individuals affected with ATP5A1-related conditions. ClinVar contains an entry for this variant (Variation ID: 2090508). Invitae Evidence Modeling of protein sequence and biophysical properties (such as structural, functional, and spatial information, amino acid conservation, physicochemical variation, residue mobility, and thermodynamic stability) indicates that this missense variant is not expected to disrupt ATP5A1 protein function with a negative predictive value of 80%. In summary, the available evidence is currently insufficient to determine the role of this variant in disease. Therefore, it has been classified as a Variant of Uncertain Significance.

NM_004046.6(ATP5F1A):c.890G>C (p.Gly297Ala)

Gene: ATP5F1A (ATP synthase F1 subunit alpha; minus strand). Cytogenetic location: 18q21.1.
Variant type: single nucleotide variant.
Coding change: c.890G>C on transcript NM_004046.6 (MANE Select); coding-DNA position 890, G replaced by C.
Protein change: p.Gly297Ala; replaces glycine 297 with alanine.
Molecular consequence: missense variant.
Genome position (GRCh38, 1-based): chr18:46,087,402, C>G on the plus strand (G>C on the coding strand, the complement: ATP5F1A is on the minus strand). VCF-style: chr18-46087402-C-G. GRCh37 (hg19) VCF-style: chr18-43667368-C-G.
Other names: c.740G>C, p.Gly247Ala (NM_001001935.3, NM_001257335.2); c.890G>C, p.Gly297Ala (NM_001001937.2); c.824G>C, p.Gly275Ala (NM_001257334.2); short protein forms G247A, G275A, G297A.
Identifiers: ClinVar variation 2090508 (VCV002090508.4), dbSNP rs762688648, ClinGen allele CA8950695.